The following is an entry in ClinVar:

ClinVar aggregate classification (germline): Uncertain significance (1 of 4 stars; one submission).

Conditions:
Autosomal dominant childhood-onset proximal spinal muscular atrophy with contractures (SMALED2A). Also called: SPINAL MUSCULAR ATROPHY, LOWER EXTREMITY-PREDOMINANT, 2A, CHILDHOOD ONSET, AUTOSOMAL DOMINANT; Spinal muscular atrophy, lower extremity-predominant, 2A, autosomal dominant. Identifiers: Orphanet 363447, Orphanet 363454, MedGen C4747715, MONDO:0014121, OMIM 615290.

gnomAD v4.1: 1 of 1,613,574 alleles (0.000062%); highest among the groups gnomAD compares: Non-Finnish European, 0.000085%; no homozygotes.

Submission:

Labcorp Genetics (formerly Invitae), Labcorp
Classification: Uncertain significance for Autosomal dominant childhood-onset proximal spinal muscular atrophy with contractures. Last evaluated: 2024-11-18. Review status: criteria provided, single submitter. Criteria: Invitae Variant Classification Sherloc (09022015). Collection method: clinical testing. Allele origin: germline.
Comment: This sequence change replaces arginine, which is basic and polar, with tryptophan, which is neutral and slightly polar, at codon 164 of the BICD2 protein (p.Arg164Trp). This variant is not present in population databases (gnomAD no frequency). This variant has not been reported in the literature in individuals affected with BICD2-related conditions. Invitae Evidence Modeling of protein sequence and biophysical properties (such as structural, functional, and spatial information, amino acid conservation, physicochemical variation, residue mobility, and thermodynamic stability) indicates that this missense variant is expected to disrupt BICD2 protein function with a positive predictive value of 80%. In summary, the available evidence is currently insufficient to determine the role of this variant in disease. Therefore, it has been classified as a Variant of Uncertain Significance.

NM_001003800.2(BICD2):c.490C>T (p.Arg164Trp)

Gene: BICD2 (BICD cargo adaptor 2; minus strand). Cytogenetic location: 9q22.31.
Variant type: single nucleotide variant.
Coding change: c.490C>T on transcript NM_001003800.2 (MANE Select); coding-DNA position 490, C replaced by T.
Protein change: p.Arg164Trp; replaces arginine 164 with tryptophan.
Molecular consequence: missense variant.
Genome position (GRCh38, 1-based): chr9:92,722,772, G>A on the plus strand (C>T on the coding strand, the complement: BICD2 is on the minus strand). VCF-style: chr9-92722772-G-A. GRCh37 (hg19) VCF-style: chr9-95485054-G-A.
Other names: c.490C>T, p.Arg164Trp (NM_015250.4); short protein forms R164W.
Identifiers: ClinVar variation 3674374 (VCV003674374.2).
Genomic context (GRCh38, chr9:92,722,772, plus strand): 5'-GTTCCGAGTAGTCCTGCAGCAGACGAGCTTCCCGGAATTTGTACTCCTTGATGTCATCCC[G>A]CAGGCGGCCACGCTGGATCTCCACATTCTGGTTGATCTGTTGGGGGAGAGGGAAAGGCAG-3'
Protein context (NP_001003800.1, residues 154-174): QNVEIQRGRL[Arg164Trp]DDIKEYKFRE